The following is an entry in ClinVar:

NM_004519.4(KCNQ3):c.478-15T>C

Gene: KCNQ3 (potassium voltage-gated channel subfamily Q member 3; minus strand). Cytogenetic location: 8q24.22.
Variant type: single nucleotide variant.
Coding change: c.478-15T>C on transcript NM_004519.4 (MANE Select); 15 bases into the intron before coding-DNA position 478, T replaced by C.
Molecular consequence: intron variant.
Genome position (GRCh38, 1-based): chr8:132,184,382, A>G on the plus strand (T>C on the coding strand, the complement: KCNQ3 is on the minus strand). VCF-style: chr8-132184382-A-G. GRCh37 (hg19) VCF-style: chr8-133196629-A-G.
Other names: c.118-15T>C (NM_001204824.2).
Identifiers: ClinVar variation 380252 (VCV000380252.5), dbSNP rs1057520808, ClinGen allele CA16605969.
Genomic context (GRCh38, chr8:132,184,382, plus strand): 5'-TCCTCAAAGCAAACTCGGCTCCAAAGATGAAAATAGCAAATGTCTCCTGCATGGAAGAGC[A>G]TATGGAGAGGCACTGATTAACCGAGATCCACTTGTCGGGAGCTGGTGATTTCTATTCGGA-3'

ClinVar aggregate classification (germline): Likely benign. Review status: criteria provided, multiple submitters, no conflicts (2 of 4 stars). 2 submissions from 2 submitters: Likely benign (2). Last evaluated 2025-09-17.

Conditions:
Benign neonatal seizures. Also called: Convulsions benign familial neonatal dominant form; Autosomal dominant form of benign neonatal seizures; Benign familial neonatal seizures; Benign neonatal familial convulsions; Benign familial neonatal epilepsy. Identifiers: Orphanet 1949, MedGen C0220669, MONDO:0016027.

Allele frequency attached by ClinVar (database versions not stated): gnomAD exomes 0.00001 and 0.00006; TOPMed 0.00003; gnomAD 0.00007 and 0.00008.
gnomAD v4.1: 93 of 1,613,690 alleles (0.0058%); highest among the groups gnomAD compares: Non-Finnish European, 0.0071%; no homozygotes.

Submissions (2):

Labcorp Genetics (formerly Invitae), Labcorp
Classification: Likely benign for Benign neonatal seizures. Last evaluated: 2025-09-17. Review status: criteria provided, single submitter. Criteria: Invitae Variant Classification Sherloc (09022015). Collection method: clinical testing. Allele origin: germline.

GeneDx
Classification: Likely benign. Last evaluated: 2016-04-19. Review status: criteria provided, single submitter. Criteria: GeneDx Variant Classification (06012015). Collection method: clinical testing. Allele origin: germline. Affected: yes.
Comment: This variant is considered likely benign or benign based on one or more of the following criteria: it is a conservative change, it occurs at a poorly conserved position in the protein, it is predicted to be benign by multiple in silico algorithms, and/or has population frequency not consistent with disease.